The following is an entry in ClinVar:

ClinVar aggregate classification (germline): Uncertain significance (1 of 4 stars; one submission).

Conditions:
Hermansky-Pudlak syndrome 2 (HPS2). Also called: Platelet defects and oculocutaneous albinism. Identifiers: Orphanet 183678, Orphanet 79430, MedGen C1842362, MONDO:0011997, OMIM 608233.

Submission:

Labcorp Genetics (formerly Invitae), Labcorp
Classification: Uncertain significance for Hermansky-Pudlak syndrome 2. Last evaluated: 2022-08-23. Review status: criteria provided, single submitter. Criteria: Invitae Variant Classification Sherloc (09022015). Collection method: clinical testing. Allele origin: germline.
Comment: Algorithms developed to predict the effect of missense changes on protein structure and function (SIFT, PolyPhen-2, Align-GVGD) all suggest that this variant is likely to be tolerated. ClinVar contains an entry for this variant (Variation ID: 1397287). This variant has not been reported in the literature in individuals affected with AP3B1-related conditions. This variant is not present in population databases (gnomAD no frequency). This sequence change replaces threonine, which is neutral and polar, with isoleucine, which is neutral and non-polar, at codon 25 of the AP3B1 protein (p.Thr25Ile). In summary, the available evidence is currently insufficient to determine the role of this variant in disease. Therefore, it has been classified as a Variant of Uncertain Significance.

NM_003664.5(AP3B1):c.74C>T (p.Thr25Ile)

Gene: AP3B1 (adaptor related protein complex 3 subunit beta 1; minus strand). Cytogenetic location: 5q14.1.
Variant type: single nucleotide variant.
Coding change: c.74C>T on transcript NM_003664.5 (MANE Select); coding-DNA position 74, C replaced by T.
Protein change: p.Thr25Ile; replaces threonine 25 with isoleucine.
Molecular consequence: missense variant. On other transcripts: 5 prime UTR variant (1).
Genome position (GRCh38, 1-based): chr5:78,294,506, G>A on the plus strand (C>T on the coding strand, the complement: AP3B1 is on the minus strand). VCF-style: chr5-78294506-G-A. GRCh37 (hg19) VCF-style: chr5-77590330-G-A.
Other names: c.-86C>T (NM_001271769.2); short protein forms T25I.
Identifiers: ClinVar variation 1397287 (VCV001397287.8), dbSNP rs2112607227, ClinGen allele CA360334534.